The following is an entry in ClinVar:

NM_000208.4(INSR):c.2929_2932del (p.Leu977fs)

Gene: INSR (insulin receptor; minus strand). Cytogenetic location: 19p13.2.
Variant type: Deletion.
Coding change: c.2929_2932del on transcript NM_000208.4 (MANE Select); coding-DNA positions 2929 to 2932, 4 bases deleted (CTAT; older notation c.2929_2932delCTAT).
Protein change: p.Leu977fs; shifts the reading frame from leucine 977.
Molecular consequence: frameshift variant.
Genome position (GRCh38, 1-based): chr19:7,128,865-7,128,868, ATAG deleted on the plus strand (CTAT on the coding strand, the reverse complement: INSR is on the minus strand); deleting any 4 consecutive bases within chr19:7,128,865-7,128,871 gives the same sequence; the c. name uses the placement nearest the transcript's 3' end. VCF-style (leftmost placement, unchanged base first): chr19-7128864-AATAG-A. GRCh37 (hg19) VCF-style: chr19-7128875-AATAG-A.
Other names: c.2893_2896del, p.Leu965fs (NM_001079817.3); short protein forms L977fs, L965fs.
Identifiers: ClinVar variation 503898 (VCV000503898.2), dbSNP rs1555736246, ClinGen allele CA658799110.

ClinVar aggregate classification (germline): Likely pathogenic (1 of 4 stars; one submission).

Submission:

GeneDx
Classification: Likely pathogenic. Last evaluated: 2017-11-28. Review status: criteria provided, single submitter. Criteria: GeneDx Variant Classification (06012015). Collection method: clinical testing. Allele origin: germline. Affected: yes.
Comment: The c.2929_2932delCTAT variant in the INSR gene has not been reported previously as a pathogenic variant nor as a benign variant, to our knowledge. The c.2929_2932delCTAT variant causes a frameshift starting with codon Leucine 977, changes this amino acid to a Serine residue, and creates a premature Stop codon at position 2 of the new reading frame, denoted p.Leu977SerfsX2. This variant is predicted to cause loss of normal protein function either through protein truncation or nonsense-mediated mRNA decay. The c.2929_2932delCTAT variant is not observed in large population cohorts (Lek et al., 2016). We interpret c.2929_2932delCTAT as a likely pathogenic variant.